The following is an entry in ClinVar:

NM_170707.4(LMNA):c.1068_1075dup (p.Tyr359fs)

Gene: LMNA (lamin A/C; plus strand). Cytogenetic location: 1q22.
Variant type: Duplication.
Coding change: c.1068_1075dup on transcript NM_170707.4 (MANE Select); coding-DNA positions 1068 to 1075, 8 bases duplicated (GGACGAGT; older notation c.1068_1075dupGGACGAGT).
Protein change: p.Tyr359fs; shifts the reading frame from tyrosine 359.
Molecular consequence: frameshift variant.
Genome position (GRCh38, 1-based): chr1:156,136,032-156,136,039, GGACGAGT duplicated; duplicating any 8 consecutive bases within chr1:156,136,031-156,136,039 gives the same sequence; the c. name uses the placement nearest the transcript's 3' end. VCF-style (leftmost placement, unchanged base first): chr1-156136030-C-CTGGACGAG. GRCh37 (hg19) VCF-style: chr1-156105821-C-CTGGACGAG.
Other names: c.732_739dup, p.Tyr247fs (NM_001257374.3); c.825_832dup, p.Tyr278fs (NM_001282624.2); c.1068_1075dup, p.Tyr359fs (NM_001282625.2, NM_001282626.2, NM_005572.4 and 1 more transcripts); c.1068_1075dup, p.Tyr359Trpfs (NM_001406983.1, NM_001406984.1, NM_001406985.1 and 2 more transcripts); c.825_832dup, p.Tyr278Trpfs (NM_001406986.1, NM_001406987.1); c.771_778dup, p.Tyr260Trpfs (NM_001406988.1); c.732_739dup, p.Tyr247Trpfs (NM_001406989.1, NM_001406998.1); c.510_517dup, p.Tyr173Trpfs (NM_001406990.1, NM_001406993.1, NM_001406995.1 and 4 more transcripts); and 1 more; short protein forms Y247fs, Y278fs, Y359fs.
Identifiers: ClinVar variation 1709023 (VCV001709023.2), dbSNP rs2527991951, ClinGen allele CA2580061192.

ClinVar aggregate classification (germline): Likely pathogenic (1 of 4 stars; one submission).

Conditions:
Emery-Dreifuss muscular dystrophy 2, autosomal dominant (EDMD2). Also called: SCAPULOILIOPERONEAL ATROPHY WITH CARDIOPATHY; Benign scapuloperoneal muscular dystrophy with cardiomyopathy; LMNA-Related Emery-Dreifuss Muscular Dystrophy, Autosomal; HAUPTMANN-THANNHAUSER MUSCULAR DYSTROPHY; Limb-girdle muscular dystrophy, type 1B; Muscular dystrophy, proximal, type 1B. Identifiers: Orphanet 261, Orphanet 264, MedGen C0410190, MONDO:0021569, OMIM 181350.

Submission:

MGZ Medical Genetics Center
Classification: Likely pathogenic for Emery-Dreifuss muscular dystrophy 2, autosomal dominant. Last evaluated: 2021-12-09. Review status: criteria provided, single submitter. Criteria: ACMG Guidelines, 2015. Collection method: clinical testing. Allele origin: germline. Affected: yes. Observed: 1 variant allele.
Comment: ACMG criteria applied: PVS1, PM2_SUP